The following is an entry in ClinVar:

NM_005076.5(CNTN2):c.2081_2099del (p.Gly694fs)

Gene: CNTN2 (contactin 2; plus strand). Cytogenetic location: 1q32.1.
Variant type: Deletion.
Coding change: c.2081_2099del on transcript NM_005076.5 (MANE Select); coding-DNA positions 2081 to 2099, 19 bases deleted (GGGAGCCTAGTGGGCCCTC).
Protein change: p.Gly694fs; shifts the reading frame from glycine 694.
Molecular consequence: frameshift variant. On other transcripts: non-coding transcript variant (1).
Genome position (GRCh38, 1-based): chr1:205,067,206-205,067,224, GGGAGCCTAGTGGGCCCTC deleted. VCF-style (leftmost placement, unchanged base first): chr1-205067205-GGGGAGCCTAGTGGGCCCTC-G. GRCh37 (hg19) VCF-style: chr1-205036333-GGGGAGCCTAGTGGGCCCTC-G.
Other names: c.2081_2099del, p.Gly694fs (NM_001346083.2); short protein forms G694fs.
Identifiers: ClinVar variation 2808573 (VCV002808573.3), dbSNP rs2526400748, ClinGen allele CA2739275544.

ClinVar aggregate classification (germline): Pathogenic (1 of 4 stars; one submission).

Conditions:
Epilepsy, familial adult myoclonic, 5 (EPEO5). Also called: CORTICAL MYOCLONIC TREMOR WITH EPILEPSY, FAMILIAL, 5. Identifiers: Orphanet 86814, MedGen C3809374, MONDO:0014167, OMIM 615400.

Submission:

Labcorp Genetics (formerly Invitae), Labcorp
Classification: Pathogenic for Epilepsy, familial adult myoclonic, 5. Last evaluated: 2022-10-27. Review status: criteria provided, single submitter. Criteria: Invitae Variant Classification Sherloc (09022015). Collection method: clinical testing. Allele origin: germline.
Comment: This variant is not present in population databases (gnomAD no frequency). This sequence change creates a premature translational stop signal (p.Gly694Alafs*130) in the CNTN2 gene. It is expected to result in an absent or disrupted protein product. Loss-of-function variants in CNTN2 are known to be pathogenic (PMID: 11178983, 23518707). This variant has not been reported in the literature in individuals affected with CNTN2-related conditions. For these reasons, this variant has been classified as Pathogenic.

Literature cited by the submitters: PubMed 11178983; PubMed 23518707.